The following is an entry in ClinVar:

NM_005529.7(HSPG2):c.3456C>T (p.Tyr1152=)

Gene: HSPG2 (heparan sulfate proteoglycan 2; minus strand). Cytogenetic location: 1p36.12.
Variant type: single nucleotide variant.
Coding change: c.3456C>T on transcript NM_005529.7 (MANE Select); coding-DNA position 3456, C replaced by T.
Protein change: p.Tyr1152=; no amino-acid change (tyrosine 1152 retained).
Molecular consequence: synonymous variant.
Genome position (GRCh38, 1-based): chr1:21,874,688, G>A on the plus strand (C>T on the coding strand, the complement: HSPG2 is on the minus strand). VCF-style: chr1-21874688-G-A. GRCh37 (hg19) VCF-style: chr1-22201181-G-A.
Other names: c.3459C>T, p.Tyr1153= (NM_001291860.2).
Identifiers: ClinVar variation 4682316 (VCV004682316.1).
Genomic context (GRCh38, chr1:21,874,688, plus strand): 5'-TGTTTCTGGCTCGCAGGCCTCTGAGTGGCCATGGCAGCTGCAGCGTTCACAGGTACCCAG[G>A]TAGAGGCCACTGGGCGTGCGTGTGTAGCCTGTGTCACAGTCCTGGGGGCAGAAAGATGGC-3'
Protein context (NP_005520.4, residues 1142-1162): TGYTRTPSGL[Tyr1152=]LGTCERCSCH

ClinVar aggregate classification (germline): Uncertain significance (1 of 4 stars; one submission).

gnomAD v4.1: 3 of 1,611,260 alleles (0.00019%); highest among the groups gnomAD compares: Non-Finnish European, 0.00017%; no homozygotes.

Submission:

Athena Diagnostics
Classification: Uncertain significance. Last evaluated: 2025-03-25. Review status: criteria provided, single submitter. Criteria: Athena Diagnostics Criteria. Collection method: clinical testing. Allele origin: unknown.
Comment: Available data are insufficient to determine the clinical significance of the variant at this time. This variant has not been reported in large, multi-ethnic general populations. Computational tools yielded predictions that this variant is unlikely to have an effect on normal RNA splicing.